The following is an entry in ClinVar:

NM_014915.3(ANKRD26):c.3058C>T (p.Arg1020Cys)

Gene: ANKRD26 (ankyrin repeat domain 26; minus strand). Cytogenetic location: 10p12.1.
Variant type: single nucleotide variant.
Coding change: c.3058C>T on transcript NM_014915.3 (MANE Select); coding-DNA position 3058, C replaced by T.
Protein change: p.Arg1020Cys; replaces arginine 1020 with cysteine.
Molecular consequence: missense variant.
Genome position (GRCh38, 1-based): chr10:27,035,392, G>A on the plus strand (C>T on the coding strand, the complement: ANKRD26 is on the minus strand). VCF-style: chr10-27035392-G-A. GRCh37 (hg19) VCF-style: chr10-27324321-G-A.
Other names: c.3055C>T, p.Arg1019Cys (NM_001256053.2); short protein forms R1020C, R1019C.
Identifiers: ClinVar variation 2884260 (VCV002884260.5), dbSNP rs761804757, ClinGen allele CA5448105.

ClinVar aggregate classification (germline): Uncertain significance. Review status: criteria provided, multiple submitters, no conflicts (2 of 4 stars). 3 submissions from 3 submitters: Uncertain significance (3). Last evaluated 2025-12-15.

Conditions:
Inborn genetic diseases. Identifiers: MedGen C0950123, MeSH D030342.

Allele frequency attached by ClinVar (database versions not stated): gnomAD exomes 0.00001; gnomAD 0.00006; ExAC 0.00002; TOPMed 0.00005.
gnomAD v4.1: 22 of 1,613,688 alleles (0.0014%); highest among the groups gnomAD compares: African/African-American, 0.019%; no homozygotes.

Submissions (3):

Labcorp Genetics (formerly Invitae), Labcorp
Classification: Uncertain significance. Last evaluated: 2025-12-15. Review status: criteria provided, single submitter. Criteria: Invitae Variant Classification Sherloc (09022015). Collection method: clinical testing. Allele origin: germline.
Comment: This sequence change replaces arginine, which is basic and polar, with cysteine, which is neutral and slightly polar, at codon 1020 of the ANKRD26 protein (p.Arg1020Cys). This variant is present in population databases (rs761804757, gnomAD 0.02%). This variant has not been reported in the literature in individuals affected with ANKRD26-related conditions. ClinVar contains an entry for this variant (Variation ID: 2884260). An algorithm developed to predict the effect of missense changes on protein structure and function (PolyPhen-2) suggests that this variant is likely to be tolerated. In summary, the available evidence is currently insufficient to determine the role of this variant in disease. Therefore, it has been classified as a Variant of Uncertain Significance.

Ambry Genetics
Classification: Uncertain significance for Inborn genetic diseases. Last evaluated: 2024-11-30. Review status: criteria provided, single submitter. Criteria: Ambry Variant Classification Scheme 2023. Collection method: clinical testing. Allele origin: germline.
Comment: The p.R1020C variant (also known as c.3058C>T), located in coding exon 24 of the ANKRD26 gene, results from a C to T substitution at nucleotide position 3058. The arginine at codon 1020 is replaced by cysteine, an amino acid with highly dissimilar properties. This amino acid position is conserved. In addition, this alteration is predicted to be tolerated by in silico analysis. Based on the available evidence, the clinical significance of this variant remains unclear.

GeneDx
Classification: Uncertain significance. Last evaluated: 2024-08-28. Review status: criteria provided, single submitter. Criteria: GeneDx Variant Classification Process June 2021. Collection method: clinical testing. Allele origin: germline. Affected: yes.
Comment: In silico analysis indicates that this missense variant does not alter protein structure/function; Has not been previously published as pathogenic or benign to our knowledge